The following is an entry in ClinVar:

ClinVar aggregate classification (germline): Uncertain significance (0 of 4 stars; one submission).

Submission:

Martin Pollak Laboratory,  Beth Israel Deaconess Medical Center
Classification: Uncertain significance. Review status: no assertion criteria provided. Collection method: not provided. Allele origin: unknown.
Comment: Higher UCa2+ group
ClinVar note: Converted during submission from unknown to Uncertain significance.

NM_001146079.2(CLDN14):c.663G>A (p.Arg221=)

Genes: CLDN14 (claudin 14; minus strand), CLDN14-AS1 (CLDN14 antisense RNA 1; plus strand). Cytogenetic location: 21q22.13.
Variant type: single nucleotide variant.
Coding change: c.663G>A on transcript NM_001146079.2 (MANE Select); coding-DNA position 663, G replaced by A.
Protein change: p.Arg221=; no amino-acid change (arginine 221 retained).
Molecular consequence: synonymous variant.
Genome position (GRCh38, 1-based): chr21:36,461,033, C>T on the plus strand (G>A on the coding strand, the complement: CLDN14 is on the minus strand). VCF-style: chr21-36461033-C-T. GRCh37 (hg19) VCF-style: chr21-37833331-C-T.
Other names: c.663G>A, p.Arg221= (NM_001146077.2, NM_001146078.3, NM_012130.4 and 1 more transcripts).
Identifiers: ClinVar variation 64489 (VCV000064489.2), dbSNP rs387907414, ClinGen allele CA216256.